The following is an entry in ClinVar:

ClinVar aggregate classification (germline): Likely benign (0 of 4 stars; one submission).

Conditions:
ABCA5-related disorder. Also called: ABCA5-related condition.

Allele frequency attached by ClinVar (database versions not stated): ExAC 0.00011; gnomAD 0.00017; ESP Exome Variant Server 0.00031.
gnomAD v4.1: 56 of 1,613,452 alleles (0.0035%); highest among the groups gnomAD compares: African/African-American, 0.06%; no homozygotes.

Submission:

PreventionGenetics, part of Exact Sciences
Classification: Likely benign for ABCA5-related condition. Last evaluated: 2019-08-22. Review status: no assertion criteria provided. Collection method: clinical testing. Allele origin: germline.
Comment: This variant is classified as likely benign based on ACMG/AMP sequence variant interpretation guidelines (Richards et al. 2015 PMID: 25741868, with internal and published modifications).

NM_172232.4(ABCA5):c.4332T>G (p.Ala1444=)

Gene: ABCA5 (ATP binding cassette subfamily A member 5; minus strand). Cytogenetic location: 17q24.3.
Variant type: single nucleotide variant.
Coding change: c.4332T>G on transcript NM_172232.4 (MANE Select); coding-DNA position 4332, T replaced by G.
Protein change: p.Ala1444=; no amino-acid change (alanine 1444 retained).
Molecular consequence: synonymous variant.
Genome position (GRCh38, 1-based): chr17:69,253,656, A>C on the plus strand (T>G on the coding strand, the complement: ABCA5 is on the minus strand). VCF-style: chr17-69253656-A-C. GRCh37 (hg19) VCF-style: chr17-67249797-A-C.
Other names: c.4332T>G, p.Ala1444= (NM_018672.5).
Identifiers: ClinVar variation 3052699 (VCV003052699.2), dbSNP rs144095768, ClinGen allele CA8736739.
Genomic context (GRCh38, chr17:69,253,656, plus strand): 5'-ATCCATACCTGTAGATGGTTCATCTAGCAAAGTAATCTGAGGATTCCCTAGCATACTTAG[A>C]GCAAAACACAACTACATGGAAAGAAAAAGATGGGTGGGAAATTAACAAAGGTTCACTATA-3'
Protein context (NP_758424.1, residues 1434-1454): PAGIKRKLCF[Ala1444=]LSMLGNPQIT